The following is an entry in ClinVar:

NM_018109.4(MTPAP):c.1568G>A (p.Arg523Gln)

Gene: MTPAP (mitochondrial poly(A) polymerase; minus strand). Cytogenetic location: 10p11.23.
Variant type: single nucleotide variant.
Coding change: c.1568G>A on transcript NM_018109.4 (MANE Select); coding-DNA position 1568, G replaced by A.
Protein change: p.Arg523Gln; replaces arginine 523 with glutamine.
Molecular consequence: missense variant.
Genome position (GRCh38, 1-based): chr10:30,313,790, C>T on the plus strand (G>A on the coding strand, the complement: MTPAP is on the minus strand). VCF-style: chr10-30313790-C-T. GRCh37 (hg19) VCF-style: chr10-30602719-C-T.
Other names: short protein forms R523Q.
Identifiers: ClinVar variation 1927748 (VCV001927748.2), dbSNP rs779219847, ClinGen allele CA5458921.
Genomic context (GRCh38, chr10:30,313,790, plus strand): 5'-TTGGTAAAGGACTTTCTGTTTGGAGCAGATGGTAGCAATAGGGATACCAGCCCCCAGGGC[C>T]GATTACTTGATATGGAAGGTCGATCTGTATCTTCCTGTTGTAAAATCCAGGCACTTTCTC-3'
Protein context (NP_060579.3, residues 513-533): DTDRPSISSN[Arg523Gln]PWGLVSLLLP

ClinVar aggregate classification (germline): Uncertain significance (1 of 4 stars; one submission).

Allele frequency attached by ClinVar (database versions not stated): gnomAD exomes below 0.00001; TOPMed 0.00001; ExAC 0.00002.
gnomAD v4.1: 8 of 1,614,094 alleles (0.0005%); highest among the groups gnomAD compares: Admixed American, 0.005%; no homozygotes.

Submission:

Labcorp Genetics (formerly Invitae), Labcorp
Classification: Uncertain significance. Last evaluated: 2022-02-23. Review status: criteria provided, single submitter. Criteria: Invitae Variant Classification Sherloc (09022015). Collection method: clinical testing. Allele origin: germline.
Comment: This sequence change replaces arginine, which is basic and polar, with glutamine, which is neutral and polar, at codon 523 of the MTPAP protein (p.Arg523Gln). This variant is present in population databases (rs779219847, gnomAD 0.006%). This variant has not been reported in the literature in individuals affected with MTPAP-related conditions. Algorithms developed to predict the effect of missense changes on protein structure and function output the following: SIFT: "Tolerated"; PolyPhen-2: "Benign"; Align-GVGD: "Class C0". The glutamine amino acid residue is found in multiple mammalian species, which suggests that this missense change does not adversely affect protein function. In summary, the available evidence is currently insufficient to determine the role of this variant in disease. Therefore, it has been classified as a Variant of Uncertain Significance.